The following is an entry in ClinVar:

NM_000090.4(COL3A1):c.1268G>C (p.Gly423Ala)

Gene: COL3A1 (collagen type III alpha 1 chain; plus strand). Cytogenetic location: 2q32.2.
Variant type: single nucleotide variant.
Coding change: c.1268G>C on transcript NM_000090.4 (MANE Select); coding-DNA position 1268, G replaced by C.
Protein change: p.Gly423Ala; replaces glycine 423 with alanine.
Molecular consequence: missense variant.
Genome position (GRCh38, 1-based): chr2:188,994,307, G>C. VCF-style: chr2-188994307-G-C. GRCh37 (hg19) VCF-style: chr2-189859033-G-C.
Other names: short protein forms G423A.
Identifiers: ClinVar variation 3147563 (VCV003147563.2), dbSNP rs587779586, ClinGen allele CA349851510.
Genomic context (GRCh38, chr2:188,994,307, plus strand): 5'-TTCCTGGAGCTCCTGGACTGATGGGAGCCCGGGGTCCTCCAGGACCAGCCGGTGCTAATG[G>C]TGCTCCTGGACTGCGAGGTGGTGCAGTAAGTTGCCTTGTTTTTTCTCTGTTGACTGAAAG-3'
Protein context (NP_000081.2, residues 413-433): RGPPGPAGAN[Gly423Ala]APGLRGGAGE

ClinVar aggregate classification (germline): Likely pathogenic. Review status: criteria provided, multiple submitters, no conflicts (2 of 4 stars). 2 submissions from 2 submitters: Likely pathogenic (2). Last evaluated 2025-10-19.

Conditions:
Ehlers-Danlos syndrome, type 4 (EDSVASC). Also called: Ehlers-Danlos syndrome vascular type; Ehlers Danlos syndrome, ecchymotic type; Ehlers Danlos syndrome, arterial type; Ehlers Danlos syndrome, Sack-Barabas type; Ehlers-Danlos Syndrome Type IV. Identifiers: Orphanet 286, MedGen C0268338, MONDO:0017314, OMIM 130050.
Familial thoracic aortic aneurysm and aortic dissection (TAAD). Also called: Thoracic aortic aneurysms and dissections. Identifiers: Orphanet 91387, MedGen C4707243, MONDO:0019625.

Submissions (2):

Labcorp Genetics (formerly Invitae), Labcorp
Classification: Likely pathogenic for Ehlers-Danlos syndrome, type 4. Last evaluated: 2025-10-19. Review status: criteria provided, single submitter. Criteria: Invitae Variant Classification Sherloc (09022015). Collection method: clinical testing. Allele origin: germline.
Comment: This sequence change replaces glycine, which is neutral and non-polar, with alanine, which is neutral and non-polar, at codon 423 of the COL3A1 protein (p.Gly423Ala). This variant is not present in population databases (gnomAD no frequency). This variant has not been reported in the literature in individuals affected with COL3A1-related conditions. ClinVar contains an entry for this variant (Variation ID: 3147563). Invitae Evidence Modeling of protein sequence and biophysical properties (such as structural, functional, and spatial information, amino acid conservation, physicochemical variation, residue mobility, and thermodynamic stability) indicates that this missense variant is expected to disrupt COL3A1 protein function with a positive predictive value of 95%. This variant disrupts the triple helix domain of COL3A1. Glycine residues within the Gly-Xaa-Yaa repeats of the triple helix domain are required for the structure and stability of fibrillar collagens (PMID: 7695699, 8218237, 19344236). In COL3A1, variants that affect these glycine residues are significantly enriched in individuals with disease (PMID: 24922459, 25758994) compared to the general population (ExAC). In summary, the currently available evidence indicates that the variant is pathogenic, but additional data are needed to prove that conclusively. Therefore, this variant has been classified as Likely Pathogenic.

Ambry Genetics
Classification: Likely pathogenic for Familial thoracic aortic aneurysm and aortic dissection. Last evaluated: 2024-02-15. Review status: criteria provided, single submitter. Criteria: Ambry Variant Classification Scheme 2023. Collection method: clinical testing. Allele origin: germline.
Comment: The c.1268G>C (p.G423A) alteration is located in exon 18 (coding exon 18) of the COL3A1 gene. This alteration results from a G to C substitution at nucleotide position 1268, causing the glycine (G) at amino acid position 423 to be replaced by an alanine (A). This variant was not reported in population-based cohorts in the Genome Aggregation Database (gnomAD). This amino acid position is highly conserved in available vertebrate species. The majority (approximately two-thirds) of COL3A1 pathogenic variants identified to date have involved the substitution of another amino acid for glycine within the triple-helical domain (Pepin, 2014; Frank, 2015). Internal structural analysis indicates that this alteration disrupts the characteristic G-X-Y motif in theCOL3A1protein and inserts a bulky side chain into asterically-constrainedregion (Bella, 1994; Hohenester, 2008; Ambry internal data). This alteration is predicted to be deleterious by in silico analysis. Based on the available evidence, this alteration is classified as likely pathogenic.

Literature cited by the submitters: PubMed 7695699 (cited by Labcorp Genetics (formerly Invitae), Labcorp and Ambry Genetics); PubMed 8218237 (cited by Labcorp Genetics (formerly Invitae), Labcorp); PubMed 19344236 (cited by Labcorp Genetics (formerly Invitae), Labcorp); PubMed 24922459 (cited by Labcorp Genetics (formerly Invitae), Labcorp and Ambry Genetics); PubMed 25758994 (cited by Labcorp Genetics (formerly Invitae), Labcorp and Ambry Genetics); PubMed 19011090 (cited by Ambry Genetics).